The following is an entry in ClinVar:

NM_000487.6(ARSA):c.437T>A (p.Phe146Tyr)

Gene: ARSA (arylsulfatase A; minus strand). Cytogenetic location: 22q13.33.
Variant type: single nucleotide variant.
Coding change: c.437T>A on transcript NM_000487.6 (MANE Select); coding-DNA position 437, T replaced by A.
Protein change: p.Phe146Tyr; replaces phenylalanine 146 with tyrosine.
Molecular consequence: missense variant.
Genome position (GRCh38, 1-based): chr22:50,627,194, A>T on the plus strand (T>A on the coding strand, the complement: ARSA is on the minus strand). VCF-style: chr22-50627194-A-T. GRCh37 (hg19) VCF-style: chr22-51065622-A-T.
Other names: c.437T>A, p.Phe146Tyr (NM_001085425.3, NM_001085426.3, NM_001085427.3); c.179T>A, p.Phe60Tyr (NM_001085428.3, NM_001362782.2); short protein forms F146Y, F60Y.
Identifiers: ClinVar variation 3907410 (VCV003907410.1).

ClinVar aggregate classification (germline): Uncertain significance (1 of 4 stars; one submission).

Submission:

Women's Health and Genetics/Laboratory Corporation of America, LabCorp
Classification: Uncertain significance. Last evaluated: 2025-06-04. Review status: criteria provided, single submitter. Criteria: LabCorp Variant Classification Summary - May 2015. Collection method: clinical testing. Allele origin: germline.
Comment: Variant summary: ARSA c.437T>A (p.Phe146Tyr) results in a conservative amino acid change in the encoded protein sequence. Algorithms developed to predict the effect of missense changes on protein structure and function are either unavailable or do not agree on the potential impact of this missense change. The variant was absent in 241354 control chromosomes. The available data on variant occurrences in the general population are insufficient to allow any conclusion about variant significance. To our knowledge, no occurrence of c.437T>A in individuals affected with Metachromatic Leukodystrophy and no experimental evidence demonstrating its impact on protein function have been reported. No submitters have cited clinical-significance assessments for this variant to ClinVar. Based on the evidence outlined above, the variant was classified as uncertain significance.